The following is an entry in ClinVar:

ClinVar aggregate classification (germline): Likely pathogenic (1 of 4 stars; one submission).

Conditions:
Ehlers-Danlos syndrome due to tenascin-X deficiency (EDSCLL1). Also called: EHLERS-DANLOS SYNDROME, CLASSIC-LIKE; Ehlers-Danlos syndrome, classic-like, 1; TNX DEFICIENCY; TNXB-Related Classical-Like Ehlers-Danlos Syndrome; EDS DUE TO TNX DEFICIENCY. Identifiers: Orphanet 230839, MedGen C1848029, MONDO:0011670, OMIM 606408.

Submission:

Juno Genomics, Hangzhou Juno Genomics, Inc
Classification: Likely pathogenic for Ehlers-Danlos syndrome due to tenascin-X deficiency. Review status: criteria provided, single submitter. Criteria: ACMG Guidelines, 2015. Collection method: clinical testing. Allele origin: germline.
Comment: Null variant in a gene where loss of function (LOF) is a known mechanism of disease.;Absent from controls (or at extremely low frequency if recessive) in Genome Aggregation Database.

NM_001365276.2(TNXB):c.10857del (p.Tyr3620fs)

Genes: TNXB (tenascin XB; minus strand), LOC106780803 (tenascin XB recombination region; plus strand). Cytogenetic location: 6p21.33.
Variant type: Deletion.
Coding change: c.10857del on transcript NM_001365276.2 (MANE Select); coding-DNA position 10857, one base deleted (C; older notation c.10857delC).
Protein change: p.Tyr3620fs; shifts the reading frame from tyrosine 3620.
Molecular consequence: frameshift variant.
Genome position (GRCh38, 1-based): chr6:32,045,076, G deleted on the plus strand (C on the coding strand, the reverse complement: TNXB is on the minus strand); the first of 5 consecutive G bases (chr6:32,045,076-32,045,080); deleting any one gives the same sequence. VCF-style (leftmost placement, unchanged base first): chr6-32045075-AG-A. GRCh37 (hg19) VCF-style: chr6-32012852-AG-A.
Other names: c.11598del, p.Tyr3867fs (NM_001428335.1); c.10851del, p.Tyr3618fs (NM_019105.8); c.144del, p.Tyr49fs (NM_032470.4); short protein forms Y3867fs, Y3620fs, Y3618fs, Y49fs.
Identifiers: ClinVar variation 5007023 (VCV005007023.2).